The following is an entry in ClinVar:

ClinVar aggregate classification (germline): Uncertain significance. Review status: criteria provided, multiple submitters, no conflicts (2 of 4 stars). 2 submissions from 2 submitters: Uncertain significance (2). Last evaluated 2025-12-22.

Conditions:
Hereditary cancer-predisposing syndrome. Also called: Tumor predisposition; Hereditary Cancer Syndrome; Hereditary neoplastic syndrome; Neoplastic Syndromes, Hereditary. Identifiers: Orphanet 140162, MedGen C0027672, MeSH D009386, MONDO:0015356.
POLD1-related polyposis and colorectal cancer syndrome (CRCS10). Also called: Colorectal cancer 10; COLORECTAL CANCER, SUSCEPTIBILITY TO, ON CHROMOSOME 19q; Colorectal cancer, susceptibility to, 10. Identifiers: Orphanet 220460, MedGen C2675481, MONDO:0012953, OMIM 612591.

Allele frequency attached by ClinVar (database versions not stated): gnomAD 0.00001.
gnomAD v4.1: 1 of 1,609,310 alleles (0.000062%); highest among the groups gnomAD compares: Non-Finnish European, 0.000085%; no homozygotes.

Submissions (2):

Ambry Genetics
Classification: Uncertain significance for Hereditary cancer-predisposing syndrome. Last evaluated: 2025-12-22. Review status: criteria provided, single submitter. Criteria: Ambry Variant Classification Scheme 2023. Collection method: clinical testing. Allele origin: germline.
Comment: The p.N836I variant (also known as c.2507A>T), located in coding exon 19 of the POLD1 gene, results from an A to T substitution at nucleotide position 2507. The asparagine at codon 836 is replaced by isoleucine, an amino acid with dissimilar properties. This amino acid position is conserved. In addition, this alteration is predicted to be tolerated by in silico analysis. Based on the available evidence, the clinical significance of this variant remains unclear.

Labcorp Genetics (formerly Invitae), Labcorp
Classification: Uncertain significance for POLD1-related polyposis and colorectal cancer syndrome. Last evaluated: 2025-03-11. Review status: criteria provided, single submitter. Criteria: Invitae Variant Classification Sherloc (09022015). Collection method: clinical testing. Allele origin: germline.
Comment: This sequence change replaces asparagine, which is neutral and polar, with isoleucine, which is neutral and non-polar, at codon 836 of the POLD1 protein (p.Asn836Ile). This variant is not present in population databases (gnomAD no frequency). This variant has not been reported in the literature in individuals affected with POLD1-related conditions. ClinVar contains an entry for this variant (Variation ID: 1022549). Invitae Evidence Modeling of protein sequence and biophysical properties (such as structural, functional, and spatial information, amino acid conservation, physicochemical variation, residue mobility, and thermodynamic stability) indicates that this missense variant is expected to disrupt POLD1 protein function with a positive predictive value of 80%. In summary, the available evidence is currently insufficient to determine the role of this variant in disease. Therefore, it has been classified as a Variant of Uncertain Significance.

NM_002691.4(POLD1):c.2507A>T (p.Asn836Ile)

Gene: POLD1 (DNA polymerase delta 1, catalytic subunit; plus strand). Cytogenetic location: 19q13.33.
Variant type: single nucleotide variant.
Coding change: c.2507A>T on transcript NM_002691.4 (MANE Select); coding-DNA position 2507, A replaced by T.
Protein change: p.Asn836Ile; replaces asparagine 836 with isoleucine.
Molecular consequence: missense variant. On other transcripts: non-coding transcript variant (1).
Genome position (GRCh38, 1-based): chr19:50,414,933, A>T. VCF-style: chr19-50414933-A-T. GRCh37 (hg19) VCF-style: chr19-50918190-A-T.
Other names: c.2507A>T, p.Asn836Ile (NM_001256849.1); c.2585A>T, p.Asn862Ile (NM_001308632.1); c.2507A>T (NM_002691.2); short protein forms N836I, N862I.
Identifiers: ClinVar variation 1022549 (VCV001022549.9), dbSNP rs1555792872, ClinGen allele CA406985147.
Genomic context (GRCh38, chr19:50,414,933, plus strand): 5'-CCCGGCCCGACGCCCACGACCGCATGGACTGCAAGGGCCTGGAGGCCGTGCGCAGGGACA[A>T]CTGCCCCCTCGTGGCCAACCTGGTCACTGCCTCACTGCGCCGCCTGCTCATCGACCGGTG-3'
Protein context (NP_002682.2, residues 826-846): CKGLEAVRRD[Asn836Ile]CPLVANLVTA